The following is an entry in ClinVar:

NM_080680.3(COL11A2):c.1637G>A (p.Arg546Gln)

Gene: COL11A2 (collagen type XI alpha 2 chain; minus strand). Cytogenetic location: 6p21.32.
Variant type: single nucleotide variant.
Coding change: c.1637G>A on transcript NM_080680.3 (MANE Select); coding-DNA position 1637, G replaced by A.
Protein change: p.Arg546Gln; replaces arginine 546 with glutamine.
Molecular consequence: missense variant.
Genome position (GRCh38, 1-based): chr6:33,178,948, C>T on the plus strand (G>A on the coding strand, the complement: COL11A2 is on the minus strand). VCF-style: chr6-33178948-C-T. GRCh37 (hg19) VCF-style: chr6-33146725-C-T.
Other names: c.1316G>A, p.Arg439Gln (NM_080679.3); c.1379G>A, p.Arg460Gln (NM_080681.3); short protein forms R546Q, R439Q, R460Q.
Identifiers: ClinVar variation 194797 (VCV000194797.35), dbSNP rs199866657, ClinGen allele CA240966.

ClinVar aggregate classification (germline): Conflicting classifications of pathogenicity. Review status: criteria provided, conflicting classifications (1 of 4 stars). 13 submissions from 11 submitters: Uncertain significance (8); Likely benign (2). 3 of the submissions do not count toward it. Last evaluated 2026-02-01.

Conditions:
COL11A2-related disorder. Also called: COL11A2-related condition; COL11A2-related disorders.
Inborn genetic diseases. Identifiers: MedGen C0950123, MeSH D030342.
Fibrochondrogenesis 2 (FBCG2). Identifiers: Orphanet 2021, MedGen C3281128, MONDO:0013795, OMIM 614524.
Otospondylomegaepiphyseal dysplasia, autosomal dominant (OSMEDA). Also called: Pierre Robin syndrome with fetal chondrodysplasia; Stickler syndrome, type 3; COL11A2-Related Stickler Syndrome. Identifiers: Orphanet 166100, Orphanet 3450, MedGen C1848488, MONDO:0008490, OMIM 184840.
Otospondylomegaepiphyseal dysplasia, autosomal recessive (OSMEDB). Also called: CHONDRODYSTROPHY WITH SENSORINEURAL DEAFNESS; Insley-Astley syndrome. Identifiers: Orphanet 1427, MedGen CN034493, MONDO:0044206, OMIM 215150.
Hearing impairment. Also called: Impaired Hearing. Identifiers: MedGen C1384666, MONDO:0005365, HP:0000365.

Allele frequency attached by ClinVar (database versions not stated): ESP Exome Variant Server 0.00012; 1000 Genomes Project 30x 0.00016; TOPMed 0.00022.
gnomAD v4.1: 589 of 1,614,086 alleles (0.036%); highest among the groups gnomAD compares: Non-Finnish European, 0.047%; no homozygotes.

Submissions (13):

Labcorp Genetics (formerly Invitae), Labcorp
Classification: Likely benign. Last evaluated: 2026-02-01. Review status: criteria provided, single submitter. Criteria: Invitae Variant Classification Sherloc (09022015). Collection method: clinical testing. Allele origin: germline.

GeneDx
Classification: Uncertain significance. Last evaluated: 2025-05-16. Review status: criteria provided, single submitter. Criteria: GeneDx Variant Classification Process June 2021. Collection method: clinical testing. Allele origin: germline. Affected: yes.
Comment: In silico analysis supports that this missense variant has a deleterious effect on protein structure/function; Has not been previously published as pathogenic or benign to our knowledge

Blueprint Genetics
Classification: Uncertain significance. Last evaluated: 2024-09-14. Review status: criteria provided, single submitter. Criteria: ACMG Guidelines, 2015. Collection method: clinical testing. Allele origin: germline.

ARUP Laboratories, Molecular Genetics and Genomics, ARUP Laboratories
Classification: Likely benign. Last evaluated: 2023-11-29. Review status: criteria provided, single submitter. Criteria: ARUP Molecular Germline Variant Investigation Process 2024. Collection method: clinical testing. Allele origin: germline.

Ambry Genetics
Classification: Uncertain significance for Inborn genetic diseases. Last evaluated: 2021-07-13. Review status: criteria provided, single submitter. Criteria: Ambry Variant Classification Scheme 2023. Collection method: clinical testing. Allele origin: germline.

Cambridge Genomics Laboratory, East Genomic Laboratory Hub, NHS Genomic Medicine Service
Classification: Uncertain significance for Hearing impairment. Last evaluated: 2019-11-21. Review status: criteria provided, single submitter. Criteria: ACGS Best Practice Guidelines for Variant Classification in Rare Disease 2020. Collection method: clinical testing. Allele origin: germline. Affected: yes. Observed: 1 variant allele.

Illumina Laboratory Services, Illumina
Classification: Uncertain significance for Otospondylomegaepiphyseal dysplasia, autosomal recessive. Last evaluated: 2018-01-13. Review status: criteria provided, single submitter. Criteria: ICSL Variant Classification Criteria 13 December 2019. Collection method: clinical testing. Allele origin: germline.

Illumina Laboratory Services, Illumina
Classification: Uncertain significance for Fibrochondrogenesis 2. Last evaluated: 2018-01-13. Review status: criteria provided, single submitter. Criteria: ICSL Variant Classification Criteria 13 December 2019. Collection method: clinical testing. Allele origin: germline.

Illumina Laboratory Services, Illumina
Classification: Uncertain significance for Otospondylomegaepiphyseal dysplasia, autosomal dominant. Last evaluated: 2018-01-13. Review status: criteria provided, single submitter. Criteria: ICSL Variant Classification Criteria 13 December 2019. Collection method: clinical testing. Allele origin: germline.

Eurofins Ntd Llc (ga)
Classification: Uncertain significance. Last evaluated: 2014-12-08. Review status: criteria provided, single submitter. Criteria: EGL Classification Definitions 2015. Collection method: clinical testing. Allele origin: germline. Observed: 2 variant alleles, 2 heterozygotes.

PreventionGenetics, part of Exact Sciences
Classification: Uncertain significance for COL11A2-related condition. Last evaluated: 2024-09-06. Review status: no assertion criteria provided. Collection method: clinical testing. Allele origin: germline. Not counted in ClinVar's aggregate classification.
Comment: The COL11A2 c.1637G>A variant is predicted to result in the amino acid substitution p.Arg546Gln. To our knowledge, this variant has not been reported in the literature. This variant is reported in 0.041% of alleles in individuals of European (Non-Finnish) descent in gnomAD. At this time, the clinical significance of this variant is uncertain due to the absence of conclusive functional and genetic evidence.

Clinical Genetics DNA and cytogenetics Diagnostics Lab, Erasmus MC, Erasmus Medical Center
Classification: Uncertain significance. Review status: no assertion criteria provided. Collection method: clinical testing. Allele origin: germline. Affected: yes. Study: VKGL Data-share Consensus. Not counted in ClinVar's aggregate classification.

Joint Genome Diagnostic Labs from Nijmegen and Maastricht, Radboudumc and MUMC+
Classification: Uncertain significance. Review status: no assertion criteria provided. Collection method: clinical testing. Allele origin: germline. Affected: yes. Study: VKGL Data-share Consensus. Not counted in ClinVar's aggregate classification.